The following is an entry in ClinVar:

NM_002734.5(PRKAR1A):c.338A>G (p.Tyr113Cys)

Gene: PRKAR1A (protein kinase cAMP-dependent type I regulatory subunit alpha; plus strand). Cytogenetic location: 17q24.2.
Variant type: single nucleotide variant.
Coding change: c.338A>G on transcript NM_002734.5 (MANE Select); coding-DNA position 338, A replaced by G.
Protein change: p.Tyr113Cys; replaces tyrosine 113 with cysteine.
Molecular consequence: missense variant.
Genome position (GRCh38, 1-based): chr17:68,522,916, A>G. VCF-style: chr17-68522916-A-G. GRCh37 (hg19) VCF-style: chr17-66519057-A-G.
Other names: c.338A>G, p.Tyr113Cys (NM_001276289.2, NM_001276290.1, NM_001278433.2 and 4 more transcripts); short protein forms Y113C.
Identifiers: ClinVar variation 847087 (VCV000847087.10), dbSNP rs2085662955, ClinGen allele CA400752503.
Genomic context (GRCh38, chr17:68,522,916, plus strand): 5'-GTAGGAGGCGACGAGGTGCTATCAGCGCTGAGGTCTACACGGAGGAAGATGCGGCATCCT[A>G]TGTTAGAAAGGTAGTTTTGATATTTGAATATCGGGGGGATGCTTTTGGGACCCACTTGGT-3'
Protein context (NP_002725.1, residues 103-123): EVYTEEDAAS[Tyr113Cys]VRKVIPKDYK

ClinVar aggregate classification (germline): Uncertain significance. Review status: criteria provided, multiple submitters, no conflicts (2 of 4 stars). 2 submissions from 2 submitters: Uncertain significance (2). Last evaluated 2025-11-24.

Conditions:
Carney complex, type 1 (CNC1). Also called: CARNEY COMPLEX, TYPE I; CARNEY MYXOMA-ENDOCRINE COMPLEX. Identifiers: Orphanet 1359, MedGen C2607929, MONDO:0008057, OMIM 160980.
Hereditary cancer-predisposing syndrome. Also called: Tumor predisposition; Hereditary neoplastic syndrome; Neoplastic Syndromes, Hereditary; Hereditary Cancer Syndrome. Identifiers: Orphanet 140162, MedGen C0027672, MeSH D009386, MONDO:0015356.

Allele frequency attached by ClinVar (database versions not stated): gnomAD exomes 0.00001.
gnomAD v4.1: 21 of 1,613,712 alleles (0.0013%); highest among the groups gnomAD compares: Non-Finnish European, 0.0018%; no homozygotes.

Submissions (2):

Ambry Genetics
Classification: Uncertain significance for Hereditary cancer-predisposing syndrome. Last evaluated: 2025-11-24. Review status: criteria provided, single submitter. Criteria: Ambry Variant Classification Scheme 2023. Collection method: clinical testing. Allele origin: germline.
Comment: The p.Y113C variant (also known as c.338A>G), located in coding exon 2 of the PRKAR1A gene, results from an A to G substitution at nucleotide position 338. The tyrosine at codon 113 is replaced by cysteine, an amino acid with highly dissimilar properties. This amino acid position is highly conserved in available vertebrate species. In addition, this alteration is predicted to be deleterious by in silico analysis. Since supporting evidence is limited at this time, the clinical significance of this alteration remains unclear.

Labcorp Genetics (formerly Invitae), Labcorp
Classification: Uncertain significance for Carney complex, type 1. Last evaluated: 2022-03-04. Review status: criteria provided, single submitter. Criteria: Invitae Variant Classification Sherloc (09022015). Collection method: clinical testing. Allele origin: germline.
Comment: In summary, the available evidence is currently insufficient to determine the role of this variant in disease. Therefore, it has been classified as a Variant of Uncertain Significance. Algorithms developed to predict the effect of missense changes on protein structure and function (SIFT, PolyPhen-2, Align-GVGD) all suggest that this variant is likely to be disruptive. ClinVar contains an entry for this variant (Variation ID: 847087). This variant has not been reported in the literature in individuals affected with PRKAR1A-related conditions. This variant is not present in population databases (gnomAD no frequency). This sequence change replaces tyrosine, which is neutral and polar, with cysteine, which is neutral and slightly polar, at codon 113 of the PRKAR1A protein (p.Tyr113Cys).